The following is an entry in ClinVar:

NM_000392.5(ABCC2):c.3844-3del

Gene: ABCC2 (ATP binding cassette subfamily C member 2; plus strand). Cytogenetic location: 10q24.2.
Variant type: Deletion.
Coding change: c.3844-3del on transcript NM_000392.5 (MANE Select); 3 bases into the intron before coding-DNA position 3844, one base deleted (C; older notation c.3844-3delC).
Molecular consequence: intron variant.
Genome position (GRCh38, 1-based): chr10:99,844,319, C deleted; the last of 2 consecutive C bases (chr10:99,844,318-99,844,319); deleting either gives the same sequence. VCF-style (leftmost placement, unchanged base first): chr10-99844317-GC-G. GRCh37 (hg19) VCF-style: chr10-101604074-GC-G.
Identifiers: ClinVar variation 4977864 (VCV004977864.1).

ClinVar aggregate classification (germline): Likely benign (1 of 4 stars; one submission).

Conditions:
ABCC2-related disorder. Also called: ABCC2-related condition.

Submission:

PreventionGenetics, part of Exact Sciences
Classification: Likely benign for ABCC2-related condition. Last evaluated: 2025-12-30. Review status: criteria provided, single submitter. Criteria: ACMG Guidelines, 2015. Collection method: clinical testing. Allele origin: germline.
Comment: This variant is classified as likely benign based on ACMG/AMP sequence variant interpretation guidelines (Richards et al. 2015 PMID: 25741868, with internal and published modifications).